The following is an entry in ClinVar:

ClinVar aggregate classification (germline): Uncertain significance (1 of 4 stars; one submission).

Conditions:
Hereditary cancer-predisposing syndrome. Also called: Neoplastic Syndromes, Hereditary; Tumor predisposition; Hereditary Cancer Syndrome; Hereditary neoplastic syndrome. Identifiers: Orphanet 140162, MedGen C0027672, MeSH D009386, MONDO:0015356.

gnomAD v4.1: 1 of 1,614,170 alleles (0.000062%); highest among the groups gnomAD compares: Non-Finnish European, 0.000085%; no homozygotes.

Submission:

Ambry Genetics
Classification: Uncertain significance for Hereditary cancer-predisposing syndrome. Last evaluated: 2025-10-21. Review status: criteria provided, single submitter. Criteria: Ambry Variant Classification Scheme 2023. Collection method: clinical testing. Allele origin: germline.
Comment: The p.A649S variant (also known as c.1945G>T), located in coding exon 11 of the ALK gene, results from a G to T substitution at nucleotide position 1945. The alanine at codon 649 is replaced by serine, an amino acid with similar properties. This amino acid position is not well conserved in available vertebrate species. In addition, this alteration is predicted to be tolerated by in silico analysis. Based on the available evidence, the clinical significance of this variant remains unclear.

NM_004304.5(ALK):c.1945G>T (p.Ala649Ser)

Gene: ALK (ALK receptor tyrosine kinase; minus strand). Cytogenetic location: 2p23.2.
Variant type: single nucleotide variant.
Coding change: c.1945G>T on transcript NM_004304.5 (MANE Select); coding-DNA position 1945, G replaced by T.
Protein change: p.Ala649Ser; replaces alanine 649 with serine.
Molecular consequence: missense variant.
Genome position (GRCh38, 1-based): chr2:29,275,195, C>A on the plus strand (G>T on the coding strand, the complement: ALK is on the minus strand). VCF-style: chr2-29275195-C-A. GRCh37 (hg19) VCF-style: chr2-29498061-C-A.
Other names: short protein forms A649S.
Identifiers: ClinVar variation 4666975 (VCV004666975.1).